The following is an entry in ClinVar:

ClinVar aggregate classification (germline): Uncertain significance (1 of 4 stars; one submission).

Conditions:
Autosomal recessive limb-girdle muscular dystrophy type 2A (LGMDR1). Also called: LEYDEN-MOEBIUS MUSCULAR DYSTROPHY; MUSCULAR DYSTROPHY, PELVOFEMORAL; Limb-girdle muscular dystrophy, type 2A; Calpainopathy; Muscular dystrophy, limb-girdle, type 2A, Amish. Identifiers: Orphanet 267, MedGen C1869123, MONDO:0009675, OMIM 253600. Disease mechanism: loss of function.
Muscular dystrophy, limb-girdle, autosomal dominant 4. Also called: MUSCULAR DYSTROPHY, LIMB-GIRDLE, TYPE 1I; Calpain-3-related limb-girdle muscular dystrophy D4. Identifiers: Orphanet 565909, MedGen C4748295, MONDO:0029133, OMIM 618129.

gnomAD v4.1: 9 of 1,561,218 alleles (0.00058%); highest among the groups gnomAD compares: South Asian, 0.0083%; no homozygotes.

Submission:

Labcorp Genetics (formerly Invitae), Labcorp
Classification: Uncertain significance for Autosomal recessive limb-girdle muscular dystrophy type 2A. Last evaluated: 2025-05-08. Review status: criteria provided, single submitter. Criteria: Invitae Variant Classification Sherloc (09022015). Collection method: clinical testing. Allele origin: germline.
Comment: This sequence change replaces asparagine, which is neutral and polar, with lysine, which is basic and polar, at codon 366 of the CAPN3 protein (p.Asn366Lys). The frequency data for this variant in the population databases is considered unreliable, as metrics indicate poor data quality at this position in the gnomAD database. This variant has not been reported in the literature in individuals affected with CAPN3-related conditions. ClinVar contains an entry for this variant (Variation ID: 2201052). Invitae Evidence Modeling of protein sequence and biophysical properties (such as structural, functional, and spatial information, amino acid conservation, physicochemical variation, residue mobility, and thermodynamic stability) indicates that this missense variant is not expected to disrupt CAPN3 protein function with a negative predictive value of 80%. Algorithms developed to predict the effect of sequence changes on RNA splicing suggest that this variant may disrupt the consensus splice site. In summary, the available evidence is currently insufficient to determine the role of this variant in disease. Therefore, it has been classified as a Variant of Uncertain Significance.

NM_000070.3(CAPN3):c.1098C>A (p.Asn366Lys)

Gene: CAPN3 (calpain 3; plus strand). Cytogenetic location: 15q15.1.
Variant type: single nucleotide variant.
Coding change: c.1098C>A on transcript NM_000070.3 (MANE Select); coding-DNA position 1098, C replaced by A.
Protein change: p.Asn366Lys; replaces asparagine 366 with lysine.
Molecular consequence: missense variant.
Genome position (GRCh38, 1-based): chr15:42,394,324, C>A. VCF-style: chr15-42394324-C-A. GRCh37 (hg19) VCF-style: chr15-42686522-C-A.
Other names: c.1098C>A, p.Asn366Lys (NM_024344.2); c.954C>A, p.Asn318Lys (NM_173087.2); c.837C>A, p.Asn279Lys (NM_212464.2); c.*791C>A (NM_212467.2); c.1098C>A (NM_000070.2); short protein forms N279K, N318K, N366K.
Identifiers: ClinVar variation 2201052 (VCV002201052.3), dbSNP rs1026642848, ClinGen allele CA391999059.